The following is an entry in ClinVar:

ClinVar aggregate classification (germline): Conflicting classifications of pathogenicity. Review status: criteria provided, conflicting classifications (1 of 4 stars). 4 submissions from 4 submitters: Uncertain significance (2); Likely benign (1). 1 of the submissions does not count toward it. Last evaluated 2021-06-14.

Conditions:
PCNT-related disorder. Also called: PCNT-related condition.
Microcephalic osteodysplastic primordial dwarfism type II (MOPD2). Also called: Microcephalic osteodysplastic primordial dwarfism with tooth abnormalities; MOPD II; OSTEODYSPLASTIC PRIMORDIAL DWARFISM, TYPE II. Identifiers: Orphanet 2637, MedGen C0432246, MONDO:0008872, OMIM 210720.

Allele frequency attached by ClinVar (database versions not stated): ExAC 0.00006; gnomAD 0.00007; gnomAD exomes 0.00007 and 0.00014; TOPMed 0.00008.
gnomAD v4.1: 209 of 1,610,352 alleles (0.013%); highest among the groups gnomAD compares: South Asian, 0.057%; 1 homozygote.

Submissions (4):

GeneDx
Classification: Likely benign. Last evaluated: 2021-06-14. Review status: criteria provided, single submitter. Criteria: GeneDx Variant Classification Process June 2021. Collection method: clinical testing. Allele origin: germline. Affected: yes.
Comment: See Variant Classification Assertion Criteria.

Fulgent Genetics
Classification: Uncertain significance for Microcephalic osteodysplastic primordial dwarfism type II. Last evaluated: 2018-10-31. Review status: criteria provided, single submitter. Criteria: ACMG Guidelines, 2015. Collection method: clinical testing. Allele origin: unknown.

Genetic Services Laboratory, University of Chicago
Classification: Uncertain significance for Microcephalic osteodysplastic primordial dwarfism, type II. Last evaluated: 2013-12-03. Review status: criteria provided, single submitter. Criteria: ACMG Guidelines, 2007. Collection method: clinical testing. Allele origin: germline. Inheritance: Autosomal recessive inheritance.

PreventionGenetics, part of Exact Sciences
Classification: Uncertain significance for PCNT-related condition. Last evaluated: 2024-05-28. Review status: no assertion criteria provided. Collection method: clinical testing. Allele origin: germline. Not counted in ClinVar's aggregate classification.
Comment: The PCNT c.8959C>T variant is predicted to result in the amino acid substitution p.Arg2987Trp. This variant was reported in an individual with heterotaxy syndrome with congenital heart disease, although conclusive evidence of pathogenicity was not presented (Liang et al. 2020. PubMed ID: 32738303). This variant is reported in 0.043% of alleles in individuals of South Asian descent in gnomAD. At this time, the clinical significance of this variant is uncertain due to the absence of conclusive functional and genetic evidence.

NM_006031.6(PCNT):c.8959C>T (p.Arg2987Trp)

Gene: PCNT (pericentrin; plus strand). Cytogenetic location: 21q22.3.
Variant type: single nucleotide variant.
Coding change: c.8959C>T on transcript NM_006031.6 (MANE Select); coding-DNA position 8959, C replaced by T.
Protein change: p.Arg2987Trp; replaces arginine 2987 with tryptophan.
Molecular consequence: missense variant.
Genome position (GRCh38, 1-based): chr21:46,436,111, C>T. VCF-style: chr21-46436111-C-T. GRCh37 (hg19) VCF-style: chr21-47856024-C-T.
Other names: c.8368C>T, p.Arg2790Trp (NM_001315529.2); short protein forms R2987W, R2790W.
Identifiers: ClinVar variation 159684 (VCV000159684.10), dbSNP rs587784322, ClinGen allele CA251124.